The following is an entry in ClinVar:

NM_017763.6(RNF43):c.2121C>T (p.Asp707=)

Gene: RNF43 (ring finger protein 43; minus strand). Cytogenetic location: 17q22.
Variant type: single nucleotide variant.
Coding change: c.2121C>T on transcript NM_017763.6 (MANE Select); coding-DNA position 2121, C replaced by T.
Protein change: p.Asp707=; no amino-acid change (aspartic acid 707 retained).
Molecular consequence: synonymous variant.
Genome position (GRCh38, 1-based): chr17:58,357,655, G>A on the plus strand (C>T on the coding strand, the complement: RNF43 is on the minus strand). VCF-style: chr17-58357655-G-A. GRCh37 (hg19) VCF-style: chr17-56435016-G-A.
Other names: c.2121C>T, p.Asp707= (NM_001305544.3, NM_001438820.1, NM_001438821.1 and 1 more transcripts); c.1740C>T, p.Asp580= (NM_001305545.2, NM_001437987.1).
Identifiers: ClinVar variation 5042363 (VCV005042363.1).

ClinVar aggregate classification (germline): Benign (1 of 4 stars; one submission).

Conditions:
Sessile serrated polyposis cancer syndrome (SSPCS). Identifiers: Orphanet 157798, MedGen C4310714, MONDO:0014919, OMIM 617108.

Submission:

Myriad Genetics, Inc.
Classification: Benign for Sessile serrated polyposis cancer syndrome. Last evaluated: 2026-07-02. Review status: criteria provided, single submitter. Criteria: Myriad Autosomal Dominant, Autosomal Recessive and X-Linked Classification Criteria (2023). Collection method: clinical testing. Allele origin: unknown.
Comment: This variant is considered benign. This variant is a silent/synonymous amino acid change and it is not expected to impact splicing.